The following is an entry in ClinVar:

NM_003560.4(PLA2G6):c.1634A>G (p.Lys545Arg)

Gene: PLA2G6 (phospholipase A2 group VI; minus strand). Cytogenetic location: 22q13.1.
Variant type: single nucleotide variant.
Coding change: c.1634A>G on transcript NM_003560.4 (MANE Select); coding-DNA position 1634, A replaced by G.
Protein change: p.Lys545Arg; replaces lysine 545 with arginine.
Molecular consequence: missense variant.
Genome position (GRCh38, 1-based): chr22:38,120,867, T>C on the plus strand (A>G on the coding strand, the complement: PLA2G6 is on the minus strand). VCF-style: chr22-38120867-T-C. GRCh37 (hg19) VCF-style: chr22-38516874-T-C.
Other names: NM_003560.4(PLA2G6):c.1634A>G; p.Lys545Arg; c.1472A>G, p.Lys491Arg (NM_001004426.3, NM_001199562.3, NM_001349865.2 and 1 more transcripts); c.1634A>G, p.Lys545Arg (NM_001349864.2); c.1100A>G, p.Lys367Arg (NM_001349867.2); c.956A>G, p.Lys319Arg (NM_001349868.2); c.938A>G, p.Lys313Arg (NM_001349869.2); short protein forms K545R, K313R, K319R, K491R, K367R.
Identifiers: ClinVar variation 159741 (VCV000159741.11), dbSNP rs121908681, ClinGen allele CA173221.
Genomic context (GRCh38, chr22:38,120,867, plus strand): 5'-TTCAGGAACTCCTCCAGGGGCCCCGACTCGTAGGGCCTGGAGCCCCGGAACACCTCATCC[T>C]TCATGCGAAAGTACATGCCGCGCATGTAGGCCATGGACTTACCTAGGAACAAAGGGGTCA-3'
Protein context (NP_003551.2, residues 535-555): AYMRGMYFRM[Lys545Arg]DEVFRGSRPY

ClinVar aggregate classification (germline): Pathogenic/Likely pathogenic. Review status: criteria provided, multiple submitters, no conflicts (2 of 4 stars). 4 submissions from 4 submitters: Pathogenic (2); Likely pathogenic (2). Last evaluated 2024-02-16.

Conditions:
PLA2G6-associated neurodegeneration (PLAN). Also called: phospholipase A2-associated neurodegeneration. Identifiers: Orphanet 329303, MedGen CN204472, MONDO:0017998.
Neurodegeneration with brain iron accumulation (NBIA). Identifiers: Orphanet 385, MedGen C2931845, MONDO:0018307.
Infantile neuroaxonal dystrophy (NBIA2A). Also called: Infantile neuroaxonal dystrophy 1; NEURODEGENERATION WITH BRAIN IRON ACCUMULATION 2A; SEITELBERGER DISEASE. Identifiers: Orphanet 35069, MedGen C0270724, MONDO:0024457, OMIM 256600.
Iron accumulation in brain. Identifiers: MedGen C4021076, HP:0012675.

Allele frequency attached by ClinVar (database versions not stated): gnomAD exomes 0.00002; ExAC 0.00002.
gnomAD v4.1: 10 of 1,613,878 alleles (0.00062%); highest among the groups gnomAD compares: East Asian, 0.022%; no homozygotes.

Submissions (4):

Labcorp Genetics (formerly Invitae), Labcorp
Classification: Pathogenic for Infantile neuroaxonal dystrophy. Last evaluated: 2024-02-16. Review status: criteria provided, single submitter. Criteria: Invitae Variant Classification Sherloc (09022015). Collection method: clinical testing. Allele origin: germline.
Comment: This sequence change replaces lysine, which is basic and polar, with arginine, which is basic and polar, at codon 545 of the PLA2G6 protein (p.Lys545Arg). This variant is present in population databases (rs121908681, gnomAD 0.03%). This missense change has been observed in individual(s) with PLA2G6-related conditions (PMID: 27395053, 30302010, 31104286). In at least one individual the data is consistent with being in trans (on the opposite chromosome) from a pathogenic variant. ClinVar contains an entry for this variant (Variation ID: 159741). Advanced modeling of protein sequence and biophysical properties (such as structural, functional, and spatial information, amino acid conservation, physicochemical variation, residue mobility, and thermodynamic stability) performed at Invitae indicates that this missense variant is not expected to disrupt PLA2G6 protein function with a negative predictive value of 80%. This variant disrupts the p.Lys545 amino acid residue in PLA2G6. Other variant(s) that disrupt this residue have been observed in individuals with PLA2G6-related conditions (PMID: 16783378, 19138334), which suggests that this may be a clinically significant amino acid residue. For these reasons, this variant has been classified as Pathogenic.

Women's Health and Genetics/Laboratory Corporation of America, LabCorp
Classification: Pathogenic for Neurodegeneration with brain iron accumulation. Last evaluated: 2023-08-03. Review status: criteria provided, single submitter. Criteria: LabCorp Variant Classification Summary - May 2015. Collection method: clinical testing. Allele origin: germline.
Comment: Variant summary: PLA2G6 c.1634A>G (p.Lys545Arg) results in a conservative amino acid change located in the patatin-like phospholipase domain (IPR002641) of the encoded protein sequence. Four of five in-silico tools predict a damaging effect of the variant on protein function. The variant allele was found at a frequency of 2.4e-05 in 251320 control chromosomes (gnomAD). c.1634A>G has been reported in the literature as a compound heterozygous genotype in multiple well-genotyped individuals affected with PLA2G6-associated neurodegeneration with or without brain iron accumulation, including one case of de novo inheritance and multiple instances where it was in trans with a pathogenic variant (e.g. Guo_2017, de Souza_2017, Koh_2019, Kim_2019). These data indicate that the variant is very likely to be associated with disease. To our knowledge, no experimental evidence demonstrating an impact on protein function has been reported. However, another variant affecting the same amino acid (p.Lys545Thr) has been observed in affected individuals in the HGMD database, suggesting Lys545 may be important for protein function. The following publications have been ascertained in the context of this evaluation (PMID: 27395053, 31104286, 30302010, 28716262). One submitter has provided a clinical-significance assessment for this variant to ClinVar after 2014 and has classified the variant as likely pathogenic. Based on the evidence outlined above, the variant was classified as pathogenic.

Broad Center for Mendelian Genomics, Broad Institute of MIT and Harvard
Classification: Likely pathogenic for PLA2G6-associated neurodegeneration. Last evaluated: 2023-01-24. Review status: criteria provided, single submitter. Criteria: ACMG Guidelines, 2015. Collection method: curation. Allele origin: germline. Inheritance: Autosomal recessive inheritance.
Comment: The p.Lys545Arg variant in PLA2G6 has been reported in 4 individuals with PLA2G6-associated neurodegeneration (PMID: 30302010, 27395053, 33835755, 28716262), and has been identified in 0.03% (6/18394) of East Asian chromosomes by the Genome Aggregation Database (gnomAD; dbSNP ID: rs121908681). Although this variant has been seen in the general population in a heterozygous state, its frequency is not high enough to rule out a pathogenic role. Of the 4 affected individuals, 2 were compound heterozygotes that carried reported likely pathogenic variants in trans, which increases the likelihood that the p.Lys545Arg variant is pathogenic (Variant ID: 279875; PMID: 30302010, 27395053). This variant was found to be de novo in 1 individual with confirmed paternity and maternity (PMID: 27395053). This variant has also been reported in ClinVar (Variation ID#: 159741) and has been interpreted as likely pathogenic by Genetic Services Laboratory (University of Chicago). Computational prediction tools and conservation analyses suggest that this variant may impact the protein, though this information is not predictive enough to determine pathogenicity. One additional pathogenic variant, resulting in a different amino acid change at the same position, p.Lys545Thr, has been reported in association with disease in the literature and ClinVar, supporting that a change at this position may not be tolerated (PMID: 16783378, 32581362; ClinVar ID: 6196). In summary, although additional studies are required to fully establish its clinical significance, this variant is likely pathogenic for autosomal recessive PLA2G6-associated neurodegeneration. ACMG/AMP Criteria applied: PP3, PS2_moderate, PM3_strong, PM5 (Richards 2015).

Genetic Services Laboratory, University of Chicago
Classification: Likely pathogenic for iron accumulation in brain. Last evaluated: 2013-02-08. Review status: criteria provided, single submitter. Criteria: ACMG Guidelines, 2007. Collection method: clinical testing. Allele origin: germline. Inheritance: Autosomal recessive inheritance. Affected: yes.

Literature cited by the submitters: PubMed 27395053 (cited by Labcorp Genetics (formerly Invitae), Labcorp and Women's Health and Genetics/Laboratory Corporation of America, LabCorp); PubMed 30302010 (cited by Labcorp Genetics (formerly Invitae), Labcorp and Women's Health and Genetics/Laboratory Corporation of America, LabCorp); PubMed 31104286 (cited by Labcorp Genetics (formerly Invitae), Labcorp and Women's Health and Genetics/Laboratory Corporation of America, LabCorp); PubMed 16783378 (cited by Labcorp Genetics (formerly Invitae), Labcorp); PubMed 19138334 (cited by Labcorp Genetics (formerly Invitae), Labcorp); PubMed 28716262 (cited by Women's Health and Genetics/Laboratory Corporation of America, LabCorp).